The following is an entry in ClinVar:

ClinVar aggregate classification (germline): Conflicting classifications of pathogenicity. Review status: criteria provided, conflicting classifications (1 of 4 stars). 3 submissions from 3 submitters: Pathogenic (1); Uncertain significance (2). Last evaluated 2025-02-20.

Conditions:
Dilated cardiomyopathy 1G (CMD1G). Identifiers: Orphanet 154, MedGen C1858763, MONDO:0011400, OMIM 604145.
Autosomal recessive limb-girdle muscular dystrophy type 2J (LGMDR10). Also called: MUSCULAR DYSTROPHY, LIMB-GIRDLE, AUTOSOMAL RECESSIVE 10; Limb-girdle muscular dystrophy, type 2J. Identifiers: Orphanet 140922, MedGen C1837342, MONDO:0012127, OMIM 608807.

Submissions (3):

Labcorp Genetics (formerly Invitae), Labcorp
Classification: Pathogenic for Dilated cardiomyopathy 1G; Autosomal recessive limb-girdle muscular dystrophy type 2J. Last evaluated: 2025-02-20. Review status: criteria provided, single submitter. Criteria: Invitae Variant Classification Sherloc (09022015). Collection method: clinical testing. Allele origin: germline.
Comment: This sequence change creates a premature translational stop signal (p.Pro9172Glnfs*5) in the TTN gene. While this is not anticipated to result in nonsense mediated decay, it is expected to create a truncated TTN protein. This variant is not present in population databases (gnomAD no frequency). This premature translational stop signal has been observed in individual(s) with clinical features of autosomal recessive centronuclear myopathy (internal data). In at least one individual the data is consistent with being in trans (on the opposite chromosome) from a pathogenic variant. ClinVar contains an entry for this variant (Variation ID: 202514). This variant is located in the I band of TTN (PMID: 25589632). Truncating variants in this region have been reported in individuals affected with autosomal recessive centronuclear myopathy (PMID: 23975875, internal data). Truncating variants in this region have also been identified in individuals affected with autosomal dominant dilated cardiomyopathy and/or cardio-related conditions (PMID: 27869827, 32964742, internal data). For these reasons, this variant has been classified as Pathogenic.

Eurofins Ntd Llc (ga)
Classification: Uncertain significance. Last evaluated: 2018-01-07. Review status: criteria provided, single submitter. Criteria: EGL Classification Definitions 2015. Collection method: clinical testing. Allele origin: germline. Observed: 1 variant allele, 1 heterozygote.

GeneDx
Classification: Uncertain significance. Last evaluated: 2014-05-20. Review status: criteria provided, single submitter. Criteria: GeneDx Variant Classification (06012015). Collection method: clinical testing. Allele origin: germline. Affected: yes.
Comment: c.26562delT: p.Pro8855GlnfsX5 (P8855QfsX5) in exon 93 of the TTN gene (NM_001256850.1). The normal sequence with the base that is deleted in braces is: AAATT{T}CCAAG. The c.26562delT variant in the TTN gene has not been reported previously as a disease-causing mutation or as a benign polymorphism to our knowledge. This variant causes a shift in reading frame starting at codon Proline 8855, changing it to a Glutamine, and creating a premature stop codon at position 5 of the new reading frame, denoted p.Pro8855GlnfsX5. This variant is expected to result in either an abnormal, truncated protein product or loss of protein from this allele through nonsense-mediated mRNA decay. However, c.26562delT is not located in the A-band region of titin, where the majority of truncating mutations associated with DCM have been reported (Herman D et al., 2012). Other truncating variants have been reported in approximately 3% of control alleles (Herman D et al., 2012). Therefore, based on the currently available information, it is unclear whether this variant is a pathogenic mutation or a rare benign variant. The variant is found in DCM-CRDM panel(s).

Literature cited by the submitters: PubMed 25589632 (cited by Labcorp Genetics (formerly Invitae), Labcorp); PubMed 23975875 (cited by Labcorp Genetics (formerly Invitae), Labcorp); PubMed 27869827 (cited by Labcorp Genetics (formerly Invitae), Labcorp); PubMed 32964742 (cited by Labcorp Genetics (formerly Invitae), Labcorp).

NM_001267550.2(TTN):c.27513del (p.Pro9172fs)

Gene: TTN (titin; minus strand). Cytogenetic location: 2q31.2.
Variant type: Deletion.
Coding change: c.27513del on transcript NM_001267550.2 (MANE Select); coding-DNA position 27513, one base deleted (T; older notation c.27513delT).
Protein change: p.Pro9172fs; shifts the reading frame from proline 9172.
Molecular consequence: frameshift variant. On other transcripts: intron variant (3).
Genome position (GRCh38, 1-based): chr2:178,712,409, A deleted on the plus strand (T on the coding strand, the reverse complement: TTN is on the minus strand); the first of 2 consecutive A bases (chr2:178,712,409-178,712,410); deleting either gives the same sequence. VCF-style (leftmost placement, unchanged base first): chr2-178712408-GA-G. GRCh37 (hg19) VCF-style: chr2-179577135-GA-G.
Other names: c.26562del, p.Pro8855fs (NM_001256850.1); c.23781del, p.Pro7928fs (NM_133378.4); c.13282+25673del (NM_003319.4); c.13858+25673del (NM_133437.4); c.13657+25673del (NM_133432.3); c.26562delT (NM_001256850.1); short protein forms P8855fs, P7928fs, P9172fs.
Identifiers: ClinVar variation 202514 (VCV000202514.8), dbSNP rs794729378, ClinGen allele CA309483.